The following is an entry in ClinVar:

NM_019892.6(INPP5E):c.208A>C (p.Ile70Leu)

Gene: INPP5E (inositol polyphosphate-5-phosphatase E; minus strand). Cytogenetic location: 9q34.3.
Variant type: single nucleotide variant.
Coding change: c.208A>C on transcript NM_019892.6 (MANE Select); coding-DNA position 208, A replaced by C.
Protein change: p.Ile70Leu; replaces isoleucine 70 with leucine.
Molecular consequence: missense variant.
Genome position (GRCh38, 1-based): chr9:136,439,212, T>G on the plus strand (A>C on the coding strand, the complement: INPP5E is on the minus strand). VCF-style: chr9-136439212-T-G. GRCh37 (hg19) VCF-style: chr9-139333664-T-G.
Other names: c.208A>C, p.Ile70Leu (NM_001318502.2); short protein forms I70L.
Identifiers: ClinVar variation 4984775 (VCV004984775.1).

ClinVar aggregate classification (germline): Uncertain significance (1 of 4 stars; one submission).

Conditions:
INPP5E-related disorder. Also called: INPP5E-related condition.

gnomAD v4.1: 11 of 1,538,206 alleles (0.00072%); highest among the groups gnomAD compares: Non-Finnish European, 0.00096%; no homozygotes.

Submission:

PreventionGenetics, part of Exact Sciences
Classification: Uncertain significance for INPP5E-related condition. Last evaluated: 2026-08-20. Review status: criteria provided, single submitter. Criteria: ACMG Guidelines, 2015. Collection method: clinical testing. Allele origin: germline.
Comment: The INPP5E c.208A>C variant is predicted to result in the amino acid substitution p.Ile70Leu. To our knowledge, this variant has not been reported in the literature or in a large population database (gnomAD), indicating this variant is rare. At this time, the clinical significance of this variant is uncertain due to the absence of conclusive functional and genetic evidence.